The following is an entry in ClinVar:

NM_001943.5(DSG2):c.2008C>T (p.Pro670Ser)

Genes: DSG2 (desmoglein 2; plus strand), DSG2-AS1 (DSG2 antisense RNA 1; minus strand). Cytogenetic location: 18q12.1.
Variant type: single nucleotide variant.
Coding change: c.2008C>T on transcript NM_001943.5 (MANE Select); coding-DNA position 2008, C replaced by T.
Protein change: p.Pro670Ser; replaces proline 670 with serine.
Molecular consequence: missense variant.
Genome position (GRCh38, 1-based): chr18:31,542,526, C>T. VCF-style: chr18-31542526-C-T. GRCh37 (hg19) VCF-style: chr18-29122489-C-T.
Other names: short protein forms P670S.
Identifiers: ClinVar variation 1784355 (VCV001784355.3), dbSNP rs1435285648, ClinGen allele CA402140939.

ClinVar aggregate classification (germline): Uncertain significance. Review status: criteria provided, multiple submitters, no conflicts (2 of 4 stars). 2 submissions from 2 submitters: Uncertain significance (2). Last evaluated 2025-06-23.

Conditions:
Cardiomyopathy (CMYO). Also called: Cardiomyopathies. Identifiers: Orphanet 167848, MedGen C0878544, MONDO:0004994, HP:0001638. Inheritance: Various modes of inheritance.
Cardiovascular phenotype. Identifiers: MedGen CN230736.

Allele frequency attached by ClinVar (database versions not stated): gnomAD exomes below 0.00001; TOPMed below 0.00001.
gnomAD v4.1: 4 of 1,613,820 alleles (0.00025%); highest among the groups gnomAD compares: African/African-American, 0.004%; no homozygotes.

Submissions (2):

Color Diagnostics, LLC DBA Color Health
Classification: Uncertain significance for Cardiomyopathy. Last evaluated: 2025-06-23. Review status: criteria provided, single submitter. Criteria: ACMG Guidelines, 2015. Collection method: clinical testing. Allele origin: germline.
Comment: This missense variant replaces proline with serine at codon 670 of the DSG2 protein. Computational prediction suggests that this variant may not impact protein structure and function. To our knowledge, functional studies have not been reported for this variant. This variant has not been reported in individuals affected with DSG2-related disorders in the literature. This variant has been identified in 1/249254 chromosomes in the general population by the Genome Aggregation Database (gnomAD). The available evidence is insufficient to determine the role of this variant in disease conclusively. Therefore, this variant is classified as a Variant of Uncertain Significance.

Ambry Genetics
Classification: Uncertain significance for Cardiovascular phenotype. Last evaluated: 2021-10-11. Review status: criteria provided, single submitter. Criteria: Ambry Variant Classification Scheme 2023. Collection method: clinical testing. Allele origin: germline.
Comment: The p.P670S variant (also known as c.2008C>T), located in coding exon 14 of the DSG2 gene, results from a C to T substitution at nucleotide position 2008. The proline at codon 670 is replaced by serine, an amino acid with similar properties. This amino acid position is conserved. In addition, this alteration is predicted to be tolerated by in silico analysis. Since supporting evidence is limited at this time, the clinical significance of this alteration remains unclear.